The following is an entry in ClinVar:

NM_003072.5(SMARCA4):c.4846C>T (p.Pro1616Ser)

Gene: SMARCA4 (SWI/SNF related BAF chromatin remodeling complex subunit ATPase 4; plus strand). Cytogenetic location: 19p13.2.
Variant type: single nucleotide variant.
Coding change: c.4846C>T on transcript NM_003072.5 (MANE Select); coding-DNA position 4846, C replaced by T.
Protein change: p.Pro1616Ser; replaces proline 1616 with serine.
Molecular consequence: missense variant. On other transcripts: non-coding transcript variant (1).
Genome position (GRCh38, 1-based): chr19:11,060,122, C>T. VCF-style: chr19-11060122-C-T. GRCh37 (hg19) VCF-style: chr19-11170798-C-T.
Other names: c.4846C>T, p.Pro1616Ser (NM_001128844.3); c.4756C>T, p.Pro1586Ser (NM_001128845.2); c.4753C>T, p.Pro1585Ser (NM_001128846.2); c.4747C>T, p.Pro1583Ser (NM_001128847.4, NM_001374457.1); c.4744C>T, p.Pro1582Ser (NM_001128848.2); c.4942C>T, p.Pro1648Ser (NM_001128849.3, NM_001387283.1); short protein forms P1585S, P1616S, P1582S, P1583S, P1586S, P1648S.
Identifiers: ClinVar variation 1410372 (VCV001410372.8), dbSNP rs2147125383, ClinGen allele CA404080698.

ClinVar aggregate classification (germline): Uncertain significance. Review status: criteria provided, multiple submitters, no conflicts (2 of 4 stars). 2 submissions from 2 submitters: Uncertain significance (2). Last evaluated 2022-03-11.

Conditions:
Hereditary cancer-predisposing syndrome. Also called: Hereditary Cancer Syndrome; Tumor predisposition; Hereditary neoplastic syndrome; Neoplastic Syndromes, Hereditary. Identifiers: Orphanet 140162, MedGen C0027672, MeSH D009386, MONDO:0015356.
Rhabdoid tumor predisposition syndrome 2 (RTPS2). Identifiers: Orphanet 231108, Orphanet 69077, MedGen C2750074, MONDO:0013224, OMIM 613325.

gnomAD v4.1: 1 of 1,550,980 alleles (0.000064%); no homozygotes.

Submissions (2):

Labcorp Genetics (formerly Invitae), Labcorp
Classification: Uncertain significance for Rhabdoid tumor predisposition syndrome 2. Last evaluated: 2022-03-11. Review status: criteria provided, single submitter. Criteria: Invitae Variant Classification Sherloc (09022015). Collection method: clinical testing. Allele origin: germline.
Comment: This variant is not present in population databases (gnomAD no frequency). This variant has not been reported in the literature in individuals affected with SMARCA4-related conditions. This sequence change replaces proline, which is neutral and non-polar, with serine, which is neutral and polar, at codon 1648 of the SMARCA4 protein (p.Pro1648Ser). Algorithms developed to predict the effect of missense changes on protein structure and function (SIFT, PolyPhen-2, Align-GVGD) all suggest that this variant is likely to be tolerated. In summary, the available evidence is currently insufficient to determine the role of this variant in disease. Therefore, it has been classified as a Variant of Uncertain Significance.

Ambry Genetics
Classification: Uncertain significance for Hereditary cancer-predisposing syndrome. Last evaluated: 2020-08-03. Review status: criteria provided, single submitter. Criteria: Ambry Variant Classification Scheme 2023. Collection method: clinical testing. Allele origin: germline.
Comment: The p.P1648S variant (also known as c.4942C>T), located in coding exon 34 of the SMARCA4 gene, results from a C to T substitution at nucleotide position 4942. The proline at codon 1648 is replaced by serine, an amino acid with similar properties. This amino acid position is not well conserved in available vertebrate species. In addition, this alteration is predicted to be tolerated by in silico analysis. Since supporting evidence is limited at this time, the clinical significance of this alteration remains unclear.